The following is an entry in ClinVar:

ClinVar aggregate classification (germline): Benign. Review status: criteria provided, single submitter (1 of 4 stars). 2 submissions from 2 submitters: Benign (1). 1 of the submissions does not count toward it. Last evaluated 2015-10-08.

Conditions:
FBXW4-related disorder. Also called: FBXW4-related condition.

Allele frequency attached by ClinVar (database versions not stated): gnomAD exomes 0.00005 and 0.00018; 1000 Genomes Project 0.00020; ExAC 0.00023; 1000 Genomes Project 30x 0.00031; gnomAD 0.00063 and 0.00073; TOPMed 0.00087; ESP Exome Variant Server 0.00115.
gnomAD v4.1: 167 of 1,601,494 alleles (0.01%); highest among the groups gnomAD compares: African/African-American, 0.21%; no homozygotes.

Submissions (2):

Eurofins Ntd Llc (ga)
Classification: Benign. Last evaluated: 2015-10-08. Review status: criteria provided, single submitter. Criteria: EGL Classification Definitions 2015. Collection method: clinical testing. Allele origin: germline. Observed: 2 variant alleles, 2 heterozygotes.

PreventionGenetics, part of Exact Sciences
Classification: Likely benign for FBXW4-related condition. Last evaluated: 2019-12-24. Review status: no assertion criteria provided. Collection method: clinical testing. Allele origin: germline. Not counted in ClinVar's aggregate classification.
Comment: This variant is classified as likely benign based on ACMG/AMP sequence variant interpretation guidelines (Richards et al. 2015 PMID: 25741868, with internal and published modifications).

NM_022039.4(FBXW4):c.1380C>T (p.Phe460=)

Gene: FBXW4 (F-box and WD repeat domain containing 4; minus strand). Cytogenetic location: 10q24.32.
Variant type: single nucleotide variant.
Coding change: c.1380C>T on transcript NM_022039.4 (MANE Select); coding-DNA position 1380, C replaced by T.
Protein change: p.Phe460=; no amino-acid change (phenylalanine 460 retained).
Molecular consequence: synonymous variant. On other transcripts: non-coding transcript variant (1).
Genome position (GRCh38, 1-based): chr10:101,612,399, G>A on the plus strand (C>T on the coding strand, the complement: FBXW4 is on the minus strand). VCF-style: chr10-101612399-G-A. GRCh37 (hg19) VCF-style: chr10-103372156-G-A.
Other names: c.654C>T, p.Phe218= (NM_001323541.2); c.915C>T (NM_022039.3).
Identifiers: ClinVar variation 283571 (VCV000283571.7), dbSNP rs145250200, ClinGen allele CA5657261.